The following is an entry in ClinVar:

NM_178433.1(LCE3B):c.54A>C (p.Ser18=)

Gene: LCE3B (late cornified envelope 3B; plus strand). Cytogenetic location: 1q21.3.
Variant type: single nucleotide variant.
Coding change: c.54A>C on transcript NM_178433.1 (MANE Select); coding-DNA position 54, A replaced by C.
Protein change: p.Ser18=; no amino-acid change (serine 18 retained).
Molecular consequence: synonymous variant.
Genome position (GRCh38, 1-based): chr1:152,613,864, A>C. VCF-style: chr1-152613864-A-C. GRCh37 (hg19) VCF-style: chr1-152586340-A-C.
Identifiers: ClinVar variation 4872789 (VCV004872789.2).

ClinVar aggregate classification (germline): Likely benign (1 of 4 stars; one submission).

Submission:

CeGaT Center for Human Genetics Tuebingen
Classification: Likely benign. Last evaluated: 2026-05-01. Review status: criteria provided, single submitter. Criteria: CeGaT Center For Human Genetics Tuebingen Variant Classification Criteria Version 2. Collection method: clinical testing. Allele origin: germline. Affected: yes. Observed: 1 variant allele.
Comment: LCE3B: PM2:Supporting, BP4, BP7